The following is an entry in ClinVar:

NM_006393.3(NEBL):c.2468G>A (p.Gly823Glu)

Gene: NEBL (nebulette; minus strand). Cytogenetic location: 10p12.31.
Variant type: single nucleotide variant.
Coding change: c.2468G>A on transcript NM_006393.3 (MANE Select); coding-DNA position 2468, G replaced by A.
Protein change: p.Gly823Glu; replaces glycine 823 with glutamic acid.
Molecular consequence: missense variant.
Genome position (GRCh38, 1-based): chr10:20,812,819, C>T on the plus strand (G>A on the coding strand, the complement: NEBL is on the minus strand). VCF-style: chr10-20812819-C-T. GRCh37 (hg19) VCF-style: chr10-21101748-C-T.
Other names: c.371G>A, p.Gly124Glu (NM_001377327.1, NM_001377328.1, NM_001377326.1); c.479G>A, p.Gly160Glu (NM_213569.2, NM_001173484.2, NM_001377322.1); c.431G>A, p.Gly144Glu (NM_001377323.1); c.422G>A, p.Gly141Glu (NM_001377324.1); c.413G>A, p.Gly138Glu (NM_001377325.1); short protein forms G141E, G160E, G138E, G144E, G823E, G124E.
Identifiers: ClinVar variation 1426867 (VCV001426867.6), dbSNP rs2130787472, ClinGen allele CA376093279.
Genomic context (GRCh38, chr10:20,812,819, plus strand): 5'-GTCAGCTTACCAACAATGATTCCAGGTCTCCTGTCCATCTCCACGATGTGAGGGTGGACC[C>T]CTTTATAGGCAGCATCGCTGACCACCTGGGTGTTCTTCCTCACTCTCTCTGTCACAGGAT-3'
Protein context (NP_006384.1, residues 813-833): TQVVSDAAYK[Gly823Glu]VHPHIVEMDR

ClinVar aggregate classification (germline): Uncertain significance (1 of 4 stars; one submission).

Conditions:
Primary dilated cardiomyopathy (DCM). Also called: Dilated Cardiomyopathy. Identifiers: Orphanet 217604, MedGen C0007193, MeSH D002311, MONDO:0005021, HP:0001644. Inheritance: Various modes of inheritance.

Submission:

Labcorp Genetics (formerly Invitae), Labcorp
Classification: Uncertain significance for Primary dilated cardiomyopathy. Last evaluated: 2023-01-26. Review status: criteria provided, single submitter. Criteria: Invitae Variant Classification Sherloc (09022015). Collection method: clinical testing. Allele origin: germline.
Comment: This sequence change replaces glycine, which is neutral and non-polar, with glutamic acid, which is acidic and polar, at codon 823 of the NEBL protein (p.Gly823Glu). This variant is not present in population databases (gnomAD no frequency). This variant has not been reported in the literature in individuals affected with NEBL-related conditions. ClinVar contains an entry for this variant (Variation ID: 1426867). Algorithms developed to predict the effect of missense changes on protein structure and function are either unavailable or do not agree on the potential impact of this missense change (SIFT: "Deleterious"; PolyPhen-2: "Possibly Damaging"; Align-GVGD: "Class C0"). In summary, the available evidence is currently insufficient to determine the role of this variant in disease. Therefore, it has been classified as a Variant of Uncertain Significance.